The following is an entry in ClinVar:

NM_018136.5(ASPM):c.9047C>T (p.Pro3016Leu)

Gene: ASPM (assembly factor for spindle microtubules; minus strand). Cytogenetic location: 1q31.3.
Variant type: single nucleotide variant.
Coding change: c.9047C>T on transcript NM_018136.5 (MANE Select); coding-DNA position 9047, C replaced by T.
Protein change: p.Pro3016Leu; replaces proline 3016 with leucine.
Molecular consequence: missense variant.
Genome position (GRCh38, 1-based): chr1:197,094,121, G>A on the plus strand (C>T on the coding strand, the complement: ASPM is on the minus strand). VCF-style: chr1-197094121-G-A. GRCh37 (hg19) VCF-style: chr1-197063251-G-A.
Other names: c.4292C>T, p.Pro1431Leu (NM_001206846.2); short protein forms P1431L, P3016L.
Identifiers: ClinVar variation 1939386 (VCV001939386.5), dbSNP rs929382862, ClinGen allele CA35864145.

ClinVar aggregate classification (germline): Uncertain significance (1 of 4 stars; one submission).

gnomAD v4.1: 2 of 1,606,442 alleles (0.00012%); highest among the groups gnomAD compares: Non-Finnish European, 0.00017%; no homozygotes.

Submission:

Labcorp Genetics (formerly Invitae), Labcorp
Classification: Uncertain significance. Last evaluated: 2022-06-17. Review status: criteria provided, single submitter. Criteria: Invitae Variant Classification Sherloc (09022015). Collection method: clinical testing. Allele origin: germline.
Comment: In summary, the available evidence is currently insufficient to determine the role of this variant in disease. Therefore, it has been classified as a Variant of Uncertain Significance. Algorithms developed to predict the effect of missense changes on protein structure and function (SIFT, PolyPhen-2, Align-GVGD) all suggest that this variant is likely to be tolerated. This variant has not been reported in the literature in individuals affected with ASPM-related conditions. This variant is not present in population databases (gnomAD no frequency). This sequence change replaces proline, which is neutral and non-polar, with leucine, which is neutral and non-polar, at codon 3016 of the ASPM protein (p.Pro3016Leu).